The following is an entry in ClinVar:

ClinVar aggregate classification (germline): Uncertain significance. Review status: criteria provided, multiple submitters, no conflicts (2 of 4 stars). 2 submissions from 2 submitters: Uncertain significance (2). Last evaluated 2022-02-05.

Allele frequency attached by ClinVar (database versions not stated): gnomAD 0.00001 and 0.00002; ExAC 0.00002; gnomAD exomes 0.00002 and 0.00003; TOPMed 0.00002.
gnomAD v4.1: 42 of 1,614,084 alleles (0.0026%); highest among the groups gnomAD compares: Non-Finnish European, 0.0035%; no homozygotes.

Submissions (2):

Labcorp Genetics (formerly Invitae), Labcorp
Classification: Uncertain significance. Last evaluated: 2022-02-05. Review status: criteria provided, single submitter. Criteria: Invitae Variant Classification Sherloc (09022015). Collection method: clinical testing. Allele origin: germline.
Comment: This sequence change replaces glutamic acid, which is acidic and polar, with alanine, which is neutral and non-polar, at codon 276 of the SERPINH1 protein (p.Glu276Ala). In summary, the available evidence is currently insufficient to determine the role of this variant in disease. Therefore, it has been classified as a Variant of Uncertain Significance. Advanced modeling of protein sequence and biophysical properties (such as structural, functional, and spatial information, amino acid conservation, physicochemical variation, residue mobility, and thermodynamic stability) performed at Invitae indicates that this missense variant is not expected to disrupt SERPINH1 protein function. ClinVar contains an entry for this variant (Variation ID: 618871). This variant has not been reported in the literature in individuals affected with SERPINH1-related conditions. This variant is present in population databases (rs148613550, gnomAD 0.003%).

ARUP Laboratories, Molecular Genetics and Genomics, ARUP Laboratories
Classification: Uncertain significance. Last evaluated: 2018-02-08. Review status: criteria provided, single submitter. Criteria: ARUP Molecular Germline Variant Investigation Process. Collection method: clinical testing. Allele origin: germline.
Comment: The SERPINH1 c.827A>C; p.Glu276Ala variant (rs148613550), to our knowledge, is not reported in the medical literature, gene specific variation databases, nor has it been previously identified by our laboratory. This variant is listed in the genome Aggregation Database (gnomAD) with an overall population frequency of 0.001% (identified on 3 out of 246,262 chromosomes). The glutamic acid at position 276 is highly conserved, considering 13 species, and computational analyses of the effects of the p.Glu276Ala variant on protein structure and function make conflicting predictions (SIFT: tolerated, PolyPhen-2: possibly damaging). Based on the available information, the clinical significance of the p.Glu276Ala variant cannot be determined with certainty.

NM_001235.5(SERPINH1):c.827A>C (p.Glu276Ala)

Gene: SERPINH1 (serpin family H member 1; plus strand). Cytogenetic location: 11q13.5.
Variant type: single nucleotide variant.
Coding change: c.827A>C on transcript NM_001235.5 (MANE Select); coding-DNA position 827, A replaced by C.
Protein change: p.Glu276Ala; replaces glutamic acid 276 with alanine.
Molecular consequence: missense variant.
Genome position (GRCh38, 1-based): chr11:75,569,044, A>C. VCF-style: chr11-75569044-A-C. GRCh37 (hg19) VCF-style: chr11-75280089-A-C.
Other names: c.827A>C, p.Glu276Ala (NM_001207014.3); short protein forms E276A.
Identifiers: ClinVar variation 618871 (VCV000618871.14), dbSNP rs148613550, ClinGen allele CA6190933.